The following is an entry in ClinVar:

NM_144585.4(SLC22A12):c.677C>T (p.Ala226Val)

Gene: SLC22A12 (solute carrier family 22 member 12; plus strand). Cytogenetic location: 11q13.1.
Variant type: single nucleotide variant.
Coding change: c.677C>T on transcript NM_144585.4 (MANE Select); coding-DNA position 677, C replaced by T.
Protein change: p.Ala226Val; replaces alanine 226 with valine.
Molecular consequence: missense variant. On other transcripts: intron variant (1).
Genome position (GRCh38, 1-based): chr11:64,593,650, C>T. VCF-style: chr11-64593650-C-T. GRCh37 (hg19) VCF-style: chr11-64361122-C-T.
Other names: c.575C>T, p.Ala192Val (NM_001276326.2); c.14C>T, p.Ala5Val (NM_153378.3); c.506+768C>T (NM_001276327.2); short protein forms A192V, A226V, A5V.
Identifiers: ClinVar variation 880050 (VCV000880050.10), dbSNP rs145738825, ClinGen allele CA6077156.

ClinVar aggregate classification (germline): Uncertain significance. Review status: criteria provided, multiple submitters, no conflicts (2 of 4 stars). 3 submissions from 3 submitters: Uncertain significance (3). Last evaluated 2024-05-03.

Conditions:
Dalmatian hypouricemia (RHUC1). Identifiers: MedGen C0473219, MONDO:0020728, OMIM 220150.

Allele frequency attached by ClinVar (database versions not stated): ExAC 0.00004; gnomAD exomes 0.00006 and 0.00009; gnomAD 0.00019 and 0.00020; TOPMed 0.00020; ESP Exome Variant Server 0.00031.
gnomAD v4.1: 163 of 1,614,032 alleles (0.01%); highest among the groups gnomAD compares: African/African-American, 0.031%; no homozygotes.

Submissions (3):

Fulgent Genetics
Classification: Uncertain significance for Dalmatian hypouricemia. Last evaluated: 2024-05-03. Review status: criteria provided, single submitter. Criteria: ACMG Guidelines, 2015. Collection method: clinical testing. Allele origin: germline.

Labcorp Genetics (formerly Invitae), Labcorp
Classification: Uncertain significance. Last evaluated: 2022-05-06. Review status: criteria provided, single submitter. Criteria: Invitae Variant Classification Sherloc (09022015). Collection method: clinical testing. Allele origin: germline.
Comment: This sequence change replaces alanine, which is neutral and non-polar, with valine, which is neutral and non-polar, at codon 226 of the SLC22A12 protein (p.Ala226Val). This variant is present in population databases (rs145738825, gnomAD 0.03%). This variant has not been reported in the literature in individuals affected with SLC22A12-related conditions. ClinVar contains an entry for this variant (Variation ID: 880050). Algorithms developed to predict the effect of missense changes on protein structure and function (SIFT, PolyPhen-2, Align-GVGD) all suggest that this variant is likely to be tolerated. In summary, the available evidence is currently insufficient to determine the role of this variant in disease. Therefore, it has been classified as a Variant of Uncertain Significance.

Illumina Laboratory Services, Illumina
Classification: Uncertain significance for Dalmatian hypouricemia. Last evaluated: 2017-04-27. Review status: criteria provided, single submitter. Criteria: ICSL Variant Classification Criteria 13 December 2019. Collection method: clinical testing. Allele origin: germline.
Comment: This variant was observed as part of a predisposition screen in an ostensibly healthy population. A literature search was performed for the gene, cDNA change, and amino acid change (where applicable). Publications were found based on this search. However, the evidence from the literature, in combination with allele frequency data from public databases where available, was not sufficient to rule this variant in or out of causing disease. Therefore, this variant is classified as a variant of unknown significance.

Literature cited by the submitters: PubMed 24827988 (cited by Illumina Laboratory Services, Illumina); PubMed 15912381 (cited by Illumina Laboratory Services, Illumina); PubMed 15327384 (cited by Illumina Laboratory Services, Illumina); PubMed 25658588 (cited by Illumina Laboratory Services, Illumina); PubMed 21614936 (cited by Illumina Laboratory Services, Illumina).